The following is an entry in ClinVar:

ClinVar aggregate classification (germline): Pathogenic (1 of 4 stars; one submission).

Submission:

ARUP Laboratories, Molecular Genetics and Genomics, ARUP Laboratories
Classification: Pathogenic. Last evaluated: 2022-12-23. Review status: criteria provided, single submitter. Criteria: ARUP Molecular Germline Variant Investigation Process 2024. Collection method: clinical testing. Allele origin: germline.
Comment: The SPTB c.3369_3370del; p.Lys1126SerfsTer55variant, to our knowledge, is not reported in the medical literature or gene specific databases. This variant is also absent from the Genome Aggregation Database, indicating it is not a common polymorphism. This variant causes a frameshift by deleting two nucleotides, so it is predicted to result in a truncated protein or mRNA subject to nonsense-mediated decay. Additionally, several downstream truncating variants have been described in individuals with hereditary spherocytosis and are considered pathogenic (Qin 2020). Based on available information, this variant is considered to be pathogenic. REFERENCES Qin L et al. Identification of new mutations in patients with hereditary spherocytosis by next-generation sequencing. J Hum Genet. 2020 Apr. PMID: 31980736

NM_001355436.2(SPTB):c.3369_3370del (p.Lys1126fs)

Gene: SPTB (spectrin beta, erythrocytic; minus strand). Cytogenetic location: 14q23.3.
Variant type: Deletion.
Coding change: c.3369_3370del on transcript NM_001355436.2 (MANE Select); coding-DNA positions 3369 to 3370, 2 bases deleted (TG; older notation c.3369_3370delTG).
Protein change: p.Lys1126fs; shifts the reading frame from lysine 1126.
Molecular consequence: frameshift variant.
Genome position (GRCh38, 1-based): chr14:64,786,595-64,786,596, CA deleted on the plus strand (TG on the coding strand, the reverse complement: SPTB is on the minus strand). VCF-style (leftmost placement, unchanged base first): chr14-64786594-CCA-C. GRCh37 (hg19) VCF-style: chr14-65253312-CCA-C.
Other names: c.3369_3370del, p.Lys1126fs (NM_001024858.4, NM_001355437.2); short protein forms K1126fs.
Identifiers: ClinVar variation 2920950 (VCV002920950.1), dbSNP rs2503128128, ClinGen allele CA2739278016.